The following is an entry in ClinVar:

NM_003906.5(MCM3AP):c.4542_4549+15dup

Genes: MCM3AP (minichromosome maintenance complex component 3 associated protein; minus strand), MCM3AP-AS1 (MCM3AP antisense RNA 1; plus strand). Cytogenetic location: 21q22.3.
Variant type: Duplication.
Coding change: c.4542_4549+15dup on transcript NM_003906.5 (MANE Select); coding-DNA position 4542 through 15 bases into the intron after coding-DNA position 4549, 23 bases duplicated (AGAAGATGGTTTGTGAAGGAAGT).
Molecular consequence: splice donor variant.
Genome position (GRCh38, 1-based): chr21:46,246,613-46,246,635, ACTTCCTTCACAAACCATCTTCT duplicated on the plus strand (AGAAGATGGTTTGTGAAGGAAGT on the coding strand, the reverse complement: MCM3AP is on the minus strand); duplicating any 23 consecutive bases within chr21:46,246,613-46,246,644 gives the same sequence; the c. name uses the placement nearest the transcript's 3' end. VCF-style (leftmost placement, unchanged base first): chr21-46246612-G-GACTTCCTTCACAAACCATCTTCT. GRCh37 (hg19) VCF-style: chr21-47666526-G-GACTTCCTTCACAAACCATCTTCT.
Identifiers: ClinVar variation 1936738 (VCV001936738.2), dbSNP rs747538027, ClinGen allele CA10076098.

ClinVar aggregate classification (germline): Uncertain significance (1 of 4 stars; one submission).

Submission:

Labcorp Genetics (formerly Invitae), Labcorp
Classification: Uncertain significance. Last evaluated: 2022-04-21. Review status: criteria provided, single submitter. Criteria: Invitae Variant Classification Sherloc (09022015). Collection method: clinical testing. Allele origin: germline.
Comment: This sequence change falls in intron 21 of the MCM3AP gene. It does not directly change the encoded amino acid sequence of the MCM3AP protein. This variant is present in population databases (rs747538027, gnomAD 0.006%). This variant has not been reported in the literature in individuals affected with MCM3AP-related conditions. Algorithms developed to predict the effect of sequence changes on RNA splicing suggest that this variant may create or strengthen a splice site. In summary, the available evidence is currently insufficient to determine the role of this variant in disease. Therefore, it has been classified as a Variant of Uncertain Significance.